The following is an entry in ClinVar:

NM_015047.3(EMC1):c.1334G>A (p.Arg445His)

Genes: EMC1 (ER membrane protein complex subunit 1; minus strand), EMC1-AS1 (EMC1 antisense RNA 1; plus strand). Cytogenetic location: 1p36.13.
Variant type: single nucleotide variant.
Coding change: c.1334G>A on transcript NM_015047.3 (MANE Select); coding-DNA position 1334, G replaced by A.
Protein change: p.Arg445His; replaces arginine 445 with histidine.
Molecular consequence: missense variant.
Genome position (GRCh38, 1-based): chr1:19,235,228, C>T on the plus strand (G>A on the coding strand, the complement: EMC1 is on the minus strand). VCF-style: chr1-19235228-C-T. GRCh37 (hg19) VCF-style: chr1-19561722-C-T.
Other names: c.1331G>A, p.Arg444His (NM_001271427.2, NM_001271428.2, NM_001375821.1); c.1268G>A, p.Arg423His (NM_001271429.2); c.1334G>A, p.Arg445His (NM_001375820.1); short protein forms R445H, R423H, R444H.
Identifiers: ClinVar variation 4761048 (VCV004761048.1).
Genomic context (GRCh38, chr1:19,235,228, plus strand): 5'-GCCCCAGTCAGGGGGAGGTCCACCATCTCTAGGCACACCACTTCTGCCAGGGACTCCTCA[C>T]GGCTCCACAGCACCACCTTCCCTGCTACAGGAAACATTTTTACAAAGCTAAGCCTGGGGC-3'
Protein context (NP_055862.1, residues 435-455): QLAGKVVLWS[Arg445His]EESLAEVVCL

ClinVar aggregate classification (germline): Uncertain significance (1 of 4 stars; one submission).

gnomAD v4.1: 13 of 1,613,062 alleles (0.00081%); highest among the groups gnomAD compares: African/African-American, 0.0013%; no homozygotes.

Submission:

Labcorp Genetics (formerly Invitae), Labcorp
Classification: Uncertain significance. Last evaluated: 2025-12-03. Review status: criteria provided, single submitter. Criteria: Invitae Variant Classification Sherloc (09022015). Collection method: clinical testing. Allele origin: germline.
Comment: This sequence change replaces arginine, which is basic and polar, with histidine, which is basic and polar, at codon 445 of the EMC1 protein (p.Arg445His). This variant is present in population databases (rs752490808, gnomAD 0.003%). This variant has not been reported in the literature in individuals affected with EMC1-related conditions. Invitae Evidence Modeling of protein sequence and biophysical properties (such as structural, functional, and spatial information, amino acid conservation, physicochemical variation, residue mobility, and thermodynamic stability) indicates that this missense variant is expected to disrupt EMC1 protein function with a positive predictive value of 80%. In summary, the available evidence is currently insufficient to determine the role of this variant in disease. Therefore, it has been classified as a Variant of Uncertain Significance.